The following is an entry in ClinVar:

ClinVar aggregate classification (germline): Pathogenic (1 of 4 stars; one submission).

Conditions:
Neurofibromatosis, type 1 (NF1). Also called: VON RECKLINGHAUSEN DISEASE; NEUROFIBROMATOSIS, TYPE I, SOMATIC; Peripheral type neurofibromatosis; Neurofibromatosis, type I. Identifiers: Orphanet 636, MedGen C0027831, MONDO:0018975, OMIM 162200. Disease mechanism: loss of function.

Submission:

Department of Clinical Genetics, Copenhagen University Hospital, Rigshospitalet
Classification: Pathogenic for Neurofibromatosis, type 1. Last evaluated: 2025-10-14. Review status: criteria provided, single submitter. Criteria: ACMG Guidelines, 2015. Collection method: clinical testing. Allele origin: germline.
Comment: The following ACMG criteria has been used for the splice variant: PVS1, PM2_m, PP4_m. And the following ACMG criteria has been used for the missense variant: PM2_su, PM5_su, PP2_su, PP3_su, PP4_m (likely pathogenic)

NM_000267.3:c.[5546+2T>A];[5488C>G]

Variant type: CompoundHeterozygote.
Identifiers: ClinVar variation 4531175 (VCV004531175.1).